The following is an entry in ClinVar:

ClinVar aggregate classification (germline): Uncertain significance (1 of 4 stars; one submission).

Submission:

Labcorp Genetics (formerly Invitae), Labcorp
Classification: Uncertain significance. Last evaluated: 2023-06-05. Review status: criteria provided, single submitter. Criteria: Invitae Variant Classification Sherloc (09022015). Collection method: clinical testing. Allele origin: germline.
Comment: This sequence change creates a premature translational stop signal (p.Ser617Valfs*6) in the SLC25A12 gene. While this is not anticipated to result in nonsense mediated decay, it is expected to disrupt the last 62 amino acid(s) of the SLC25A12 protein. This variant is not present in population databases (gnomAD no frequency). This variant has not been reported in the literature in individuals affected with SLC25A12-related conditions. In summary, the available evidence is currently insufficient to determine the role of this variant in disease. Therefore, it has been classified as a Variant of Uncertain Significance.

NM_003705.5(SLC25A12):c.1848_1849insG (p.Ser617fs)

Gene: SLC25A12 (solute carrier family 25 member 12; minus strand). Cytogenetic location: 2q31.1.
Variant type: Insertion.
Coding change: c.1848_1849insG on transcript NM_003705.5 (MANE Select); coding-DNA positions 1848 to 1849, G inserted.
Protein change: p.Ser617fs; shifts the reading frame from serine 617.
Molecular consequence: frameshift variant. On other transcripts: non-coding transcript variant (1).
Genome position: GRCh38 VCF-style: chr2-171785462-A-AC. GRCh37 (hg19) VCF-style: chr2-172641972-A-AC.
Other names: short protein forms S617fs.
Identifiers: ClinVar variation 2776350 (VCV002776350.3), dbSNP rs2545147595, ClinGen allele CA2739271639.